The following is an entry in ClinVar:

ClinVar aggregate classification (germline): Uncertain significance (1 of 4 stars; one submission).

Allele frequency attached by ClinVar (database versions not stated): gnomAD exomes below 0.00001.
gnomAD v4.1: 2 of 1,614,040 alleles (0.00012%); highest among the groups gnomAD compares: Non-Finnish European, 0.000085%; no homozygotes.

Submission:

Labcorp Genetics (formerly Invitae), Labcorp
Classification: Uncertain significance. Last evaluated: 2022-02-05. Review status: criteria provided, single submitter. Criteria: Invitae Variant Classification Sherloc (09022015). Collection method: clinical testing. Allele origin: germline.
Comment: This sequence change replaces leucine, which is neutral and non-polar, with phenylalanine, which is neutral and non-polar, at codon 1502 of the PCDH15 protein (p.Leu1502Phe). This variant is present in population databases (no rsID available, gnomAD no frequency). This variant has not been reported in the literature in individuals affected with PCDH15-related conditions. Algorithms developed to predict the effect of missense changes on protein structure and function output the following: SIFT: "Tolerated"; PolyPhen-2: "Benign"; Align-GVGD: "Class C0". The phenylalanine amino acid residue is found in multiple mammalian species, which suggests that this missense change does not adversely affect protein function. In summary, the available evidence is currently insufficient to determine the role of this variant in disease. Therefore, it has been classified as a Variant of Uncertain Significance.

NM_033056.4(PCDH15):c.4504C>T (p.Leu1502Phe)

Gene: PCDH15 (protocadherin related 15; minus strand). Cytogenetic location: 10q21.1.
Variant type: single nucleotide variant.
Coding change: c.4504C>T on transcript NM_033056.4 (MANE Plus Clinical); coding-DNA position 4504, C replaced by T.
Protein change: p.Leu1502Phe; replaces leucine 1502 with phenylalanine.
Molecular consequence: missense variant. On other transcripts: intron variant (8).
Genome position (GRCh38, 1-based): chr10:53,823,222, G>A on the plus strand (C>T on the coding strand, the complement: PCDH15 is on the minus strand). VCF-style: chr10-53823222-G-A. GRCh37 (hg19) VCF-style: chr10-55582982-G-A.
Other names: c.4525C>T, p.Leu1509Phe (NM_001142763.2); c.4510C>T, p.Leu1504Phe (NM_001142764.2); c.4297C>T, p.Leu1433Phe (NM_001142765.2); c.4495C>T, p.Leu1499Phe (NM_001142766.2); c.4384C>T, p.Leu1462Phe (NM_001142767.2); c.4444C>T, p.Leu1482Phe (NM_001142768.2); c.4435C>T, p.Leu1479Phe (NM_001142773.2); c.4438C>T, p.Leu1480Phe (NM_001354404.2); and 6 more; short protein forms L1482F, L1499F, L1462F, L1504F, L1433F, L1480F, L1502F, L1479F.
Identifiers: ClinVar variation 2143337 (VCV002143337.1), dbSNP rs1015498133, ClinGen allele CA207220943.